The following is an entry in ClinVar:

NM_004612.4(TGFBR1):c.436T>C (p.Tyr146His)

Gene: TGFBR1 (transforming growth factor beta receptor 1; plus strand). Cytogenetic location: 9q22.33.
Variant type: single nucleotide variant.
Coding change: c.436T>C on transcript NM_004612.4 (MANE Select); coding-DNA position 436, T replaced by C.
Protein change: p.Tyr146His; replaces tyrosine 146 with histidine.
Molecular consequence: missense variant. On other transcripts: non-coding transcript variant (4), intron variant (3).
Genome position (GRCh38, 1-based): chr9:99,132,601, T>C. VCF-style: chr9-99132601-T-C. GRCh37 (hg19) VCF-style: chr9-101894883-T-C.
Other names: c.448T>C, p.Tyr150His (NM_001306210.2, NM_001407416.1); c.436T>C, p.Tyr146His (NM_001407417.1, NM_001407435.1); c.241T>C, p.Tyr81His (NM_001407418.1, NM_001407419.1, NM_001407420.1 and 1 more transcripts); c.229T>C, p.Tyr77His (NM_001407423.1, NM_001407424.1, NM_001407425.1 and 8 more transcripts); c.190T>C, p.Tyr64His (NM_001407436.1); c.343+3501T>C (NM_001130916.3); c.98-5258T>C (NM_001407438.1); c.98-9935T>C (NM_001407437.1); short protein forms Y150H, Y64H, Y81H, Y77H, Y146H.
Identifiers: ClinVar variation 3635875 (VCV003635875.2).

ClinVar aggregate classification (germline): Uncertain significance (1 of 4 stars; one submission).

Conditions:
Familial thoracic aortic aneurysm and aortic dissection (TAAD). Also called: Thoracic aortic aneurysms and dissections. Identifiers: Orphanet 91387, MedGen C4707243, MONDO:0019625.

Submission:

Labcorp Genetics (formerly Invitae), Labcorp
Classification: Uncertain significance for Familial thoracic aortic aneurysm and aortic dissection. Last evaluated: 2024-10-28. Review status: criteria provided, single submitter. Criteria: Invitae Variant Classification Sherloc (09022015). Collection method: clinical testing. Allele origin: germline.
Comment: This sequence change replaces tyrosine, which is neutral and polar, with histidine, which is basic and polar, at codon 146 of the TGFBR1 protein (p.Tyr146His). This variant is not present in population databases (gnomAD no frequency). This variant has not been reported in the literature in individuals affected with TGFBR1-related conditions. Invitae Evidence Modeling of protein sequence and biophysical properties (such as structural, functional, and spatial information, amino acid conservation, physicochemical variation, residue mobility, and thermodynamic stability) indicates that this missense variant is not expected to disrupt TGFBR1 protein function with a negative predictive value of 95%. In summary, the available evidence is currently insufficient to determine the role of this variant in disease. Therefore, it has been classified as a Variant of Uncertain Significance.